The following is an entry in ClinVar:

ClinVar aggregate classification (germline): Uncertain significance (1 of 4 stars; one submission).

Conditions:
Pontocerebellar hypoplasia type 3 (PCH3). Also called: PCH WITH OPTIC ATROPHY; CEREBELLAR ATROPHY WITH PROGRESSIVE MICROCEPHALY. Identifiers: Orphanet 97249, MedGen C1842687, MONDO:0011948, OMIM 608027.

Submission:

Breda Genetics srl
Classification: Uncertain significance for Pontocerebellar hypoplasia type 3. Last evaluated: 2021-05-21. Review status: criteria provided, single submitter. Criteria: ACMG Guidelines, 2015. Collection method: clinical testing. Allele origin: germline. Inheritance: Autosomal recessive inheritance. Affected: yes. Observed: 1 variant allele, 1 homozygote.
Comment: The variant c.1753C>T (p.Pro585Ser) in the PCLO gene has not been reported in the dbSNP, gnomAD, or ClinVar databases. The nucleotide position is moderately conserved across 35 mammalian species (GERP RS: 2.66). In silico analysis indicates that the variant might be neutral. However, especially in the setting of variable expressivity, it is advised to use in silico prediction tools with caution (PMID:29805046).

NM_033026.6(PCLO):c.1753C>T (p.Pro585Ser)

Gene: PCLO (piccolo presynaptic cytomatrix protein; minus strand). Cytogenetic location: 7q21.11.
Variant type: single nucleotide variant.
Coding change: c.1753C>T on transcript NM_033026.6 (MANE Select); coding-DNA position 1753, C replaced by T.
Protein change: p.Pro585Ser; replaces proline 585 with serine.
Molecular consequence: missense variant.
Genome position (GRCh38, 1-based): chr7:83,154,888, G>A on the plus strand (C>T on the coding strand, the complement: PCLO is on the minus strand). VCF-style: chr7-83154888-G-A. GRCh37 (hg19) VCF-style: chr7-82784204-G-A.
Other names: c.1753C>T, p.Pro585Ser (NM_014510.3); short protein forms P585S.
Identifiers: ClinVar variation 1299423 (VCV001299423.1), dbSNP rs2116685195, ClinGen allele CA367912777.